The following is an entry in ClinVar:

NM_031407.7(HUWE1):c.10592C>T (p.Ser3531Leu)

Gene: HUWE1 (HECT, UBA and WWE domain containing E3 ubiquitin protein ligase 1; minus strand). Cytogenetic location: Xp11.22.
Variant type: single nucleotide variant.
Coding change: c.10592C>T on transcript NM_031407.7 (MANE Select); coding-DNA position 10592, C replaced by T.
Protein change: p.Ser3531Leu; replaces serine 3531 with leucine.
Molecular consequence: missense variant.
Genome position (GRCh38, 1-based): chrX:53,547,717, G>A on the plus strand (C>T on the coding strand, the complement: HUWE1 is on the minus strand). VCF-style: chrX-53547717-G-A. GRCh37 (hg19) VCF-style: chrX-53574678-G-A.
Other names: c.10589C>T, p.Ser3530Leu (NM_001441048.1, NM_001441051.1, NM_001441053.1 and 2 more transcripts); c.10592C>T, p.Ser3531Leu (NM_001441049.1, NM_001441054.1, NM_001441057.1); c.10613C>T, p.Ser3538Leu (NM_001441050.1, NM_001441055.1); c.10190C>T, p.Ser3397Leu (NM_001441052.1); short protein forms S3397L, S3530L, S3531L, S3538L.
Identifiers: ClinVar variation 4801039 (VCV004801039.1).

ClinVar aggregate classification (germline): Uncertain significance (1 of 4 stars; one submission).

gnomAD v4.1: 2 of 1,209,051 alleles (0.00017%); highest among the groups gnomAD compares: Non-Finnish European, 0.00022%; no homozygotes.

Submission:

Labcorp Genetics (formerly Invitae), Labcorp
Classification: Uncertain significance. Last evaluated: 2025-03-01. Review status: criteria provided, single submitter. Criteria: Invitae Variant Classification Sherloc (09022015). Collection method: clinical testing. Allele origin: germline.
Comment: This sequence change replaces serine, which is neutral and polar, with leucine, which is neutral and non-polar, at codon 3531 of the HUWE1 protein (p.Ser3531Leu). This variant is not present in population databases (gnomAD no frequency). This variant has not been reported in the literature in individuals affected with HUWE1-related conditions. Invitae Evidence Modeling of protein sequence and biophysical properties (such as structural, functional, and spatial information, amino acid conservation, physicochemical variation, residue mobility, and thermodynamic stability) has been performed for this missense variant. However, the output from this modeling did not meet the statistical confidence thresholds required to predict the impact of this variant on HUWE1 protein function. In summary, the available evidence is currently insufficient to determine the role of this variant in disease. Therefore, it has been classified as a Variant of Uncertain Significance.